The following is an entry in ClinVar:

ClinVar aggregate classification (germline): Uncertain significance. Review status: criteria provided, multiple submitters, no conflicts (2 of 4 stars). 2 submissions from 2 submitters: Uncertain significance (2). Last evaluated 2023-10-10.

Conditions:
Inborn genetic diseases. Identifiers: MedGen C0950123, MeSH D030342.
Autism, susceptibility to, X-linked 2 (AUTSX2). Also called: Autism susceptibility, X-linked 2. Identifiers: MedGen C1845539, MONDO:0010341, OMIM 300495.

Allele frequency attached by ClinVar (database versions not stated): gnomAD exomes below 0.00001; TOPMed below 0.00001.

Submissions (2):

Ambry Genetics
Classification: Uncertain significance for Inborn genetic diseases. Last evaluated: 2023-10-10. Review status: criteria provided, single submitter. Criteria: Ambry Variant Classification Scheme 2023. Collection method: clinical testing. Allele origin: germline.

University of Washington Department of Laboratory Medicine, University of Washington
Classification: Uncertain significance for Autism, susceptibility to, X-linked 2. Last evaluated: 2022-07-22. Review status: criteria provided, single submitter. Criteria: ACMG Guidelines, 2015. Collection method: clinical testing. Allele origin: maternal. Affected: yes.
Comment: The p.Val496Ile variant in the NLGN4X gene has not been previously reported in association with disease. This variant has been identified in 1/183527 chromosomes by the Genome Aggregation Database. Using ACMG guidelines, this variant was classified as a variant of uncertain significance with respect to NLGN4X-related neurodevelopmental disorder (ACMG evidence codes used: PM2_supporting).

NM_181332.3(NLGN4X):c.1486G>A (p.Val496Ile)

Gene: NLGN4X (neuroligin 4 X-linked; minus strand). Cytogenetic location: Xp22.32.
Variant type: single nucleotide variant.
Coding change: c.1486G>A on transcript NM_181332.3 (MANE Select); coding-DNA position 1486, G replaced by A.
Protein change: p.Val496Ile; replaces valine 496 with isoleucine.
Molecular consequence: missense variant.
Genome position (GRCh38, 1-based): chrX:5,903,192, C>T on the plus strand (G>A on the coding strand, the complement: NLGN4X is on the minus strand). VCF-style: chrX-5903192-C-T. GRCh37 (hg19) VCF-style: chrX-5821233-C-T.
Other names: c.1486G>A (NM_001282145.1); c.1486G>A, p.Val496Ile (NM_001282145.2, NM_001282146.2, NM_020742.4); short protein forms V496I.
Identifiers: ClinVar variation 3200431 (VCV003200431.2), dbSNP rs1173108724, ClinGen allele CA412010274.